The following is an entry in ClinVar:

ClinVar aggregate classification (germline): Uncertain significance (1 of 4 stars; one submission).

Conditions:
Cardiovascular phenotype. Identifiers: MedGen CN230736.

Submission:

Ambry Genetics
Classification: Uncertain significance for Cardiovascular phenotype. Last evaluated: 2021-06-16. Review status: criteria provided, single submitter. Criteria: Ambry Variant Classification Scheme 2023. Collection method: clinical testing. Allele origin: germline.
Comment: The p.D1279E variant (also known as c.3837C>G), located in coding exon 6 of the ALPK3 gene, results from a C to G substitution at nucleotide position 3837. The aspartic acid at codon 1279 is replaced by glutamic acid, an amino acid with highly similar properties. This amino acid position is poorly conserved in available vertebrate species. In addition, this alteration is predicted to be tolerated by in silico analysis. Since supporting evidence is limited at this time, the clinical significance of this alteration remains unclear.

NM_020778.5(ALPK3):c.3231C>G (p.Asp1077Glu)

Gene: ALPK3 (alpha kinase 3; plus strand). Cytogenetic location: 15q25.3.
Variant type: single nucleotide variant.
Coding change: c.3231C>G on transcript NM_020778.5 (MANE Select); coding-DNA position 3231, C replaced by G.
Protein change: p.Asp1077Glu; replaces aspartic acid 1077 with glutamic acid.
Molecular consequence: missense variant.
Genome position (GRCh38, 1-based): chr15:84,857,969, C>G. VCF-style: chr15-84857969-C-G. GRCh37 (hg19) VCF-style: chr15-85401200-C-G.
Other names: short protein forms D1077E.
Identifiers: ClinVar variation 1735388 (VCV001735388.2), dbSNP rs142001827, ClinGen allele CA393359854.